The following is an entry in ClinVar:

ClinVar aggregate classification (germline): Uncertain significance (1 of 4 stars; one submission).

Allele frequency attached by ClinVar (database versions not stated): TOPMed below 0.00001.

Submission:

Labcorp Genetics (formerly Invitae), Labcorp
Classification: Uncertain significance. Last evaluated: 2024-07-21. Review status: criteria provided, single submitter. Criteria: Invitae Variant Classification Sherloc (09022015). Collection method: clinical testing. Allele origin: germline.
Comment: This sequence change replaces glutamine, which is neutral and polar, with arginine, which is basic and polar, at codon 166 of the CFI protein (p.Gln166Arg). This variant is not present in population databases (gnomAD no frequency). This variant has not been reported in the literature in individuals affected with CFI-related conditions. Advanced modeling of protein sequence and biophysical properties (such as structural, functional, and spatial information, amino acid conservation, physicochemical variation, residue mobility, and thermodynamic stability) performed at Invitae indicates that this missense variant is not expected to disrupt CFI protein function with a negative predictive value of 95%. In summary, the available evidence is currently insufficient to determine the role of this variant in disease. Therefore, it has been classified as a Variant of Uncertain Significance.

NM_000204.5(CFI):c.497A>G (p.Gln166Arg)

Gene: CFI (complement factor I; minus strand). Cytogenetic location: 4q25.
Variant type: single nucleotide variant.
Coding change: c.497A>G on transcript NM_000204.5 (MANE Select); coding-DNA position 497, A replaced by G.
Protein change: p.Gln166Arg; replaces glutamine 166 with arginine.
Molecular consequence: missense variant. On other transcripts: 5 prime UTR variant (1), non-coding transcript variant (3).
Genome position (GRCh38, 1-based): chr4:109,761,678, T>C on the plus strand (A>G on the coding strand, the complement: CFI is on the minus strand). VCF-style: chr4-109761678-T-C. GRCh37 (hg19) VCF-style: chr4-110682834-T-C.
Other names: c.497A>G, p.Gln166Arg (NM_001318057.2, NM_001331035.2, NM_001375278.1 and 5 more transcripts); c.-113A>G (NM_001375284.1); short protein forms Q166R.
Identifiers: ClinVar variation 2809193 (VCV002809193.3), dbSNP rs1727086380, ClinGen allele CA357863090.